The following is an entry in ClinVar:

ClinVar aggregate classification (germline): Uncertain significance (1 of 4 stars; one submission).

Submission:

Ambry Genetics
Classification: Uncertain significance. Last evaluated: 2022-06-01. Review status: criteria provided, single submitter. Criteria: Ambry Variant Classification Scheme 2023. Collection method: clinical testing. Allele origin: germline.
Comment: The p.D1852N variant (also known as c.5554G>A), located in coding exon 6 of the ALPK2 gene, results from a G to A substitution at nucleotide position 5554. The aspartic acid at codon 1852 is replaced by asparagine, an amino acid with highly similar properties. This amino acid position is conserved. In addition, the in silico prediction for this alteration is inconclusive. Since supporting evidence is limited at this time, the clinical significance of this alteration remains unclear.

NM_052947.4(ALPK2):c.5554G>A (p.Asp1852Asn)

Gene: ALPK2 (alpha kinase 2; minus strand). Cytogenetic location: 18q21.31.
Variant type: single nucleotide variant.
Coding change: c.5554G>A on transcript NM_052947.4 (MANE Select); coding-DNA position 5554, G replaced by A.
Protein change: p.Asp1852Asn; replaces aspartic acid 1852 with asparagine.
Molecular consequence: missense variant.
Genome position (GRCh38, 1-based): chr18:58,524,010, C>T on the plus strand (G>A on the coding strand, the complement: ALPK2 is on the minus strand). VCF-style: chr18-58524010-C-T. GRCh37 (hg19) VCF-style: chr18-56191242-C-T.
Other names: short protein forms D1852N.
Identifiers: ClinVar variation 1748254 (VCV001748254.2), dbSNP rs2518866891, ClinGen allele CA402551647.